The following is an entry in ClinVar:

NM_032776.3(JMJD1C):c.2150C>T (p.Pro717Leu)

Gene: JMJD1C (jumonji domain containing 1C; minus strand). Cytogenetic location: 10q21.3.
Variant type: single nucleotide variant.
Coding change: c.2150C>T on transcript NM_032776.3 (MANE Select); coding-DNA position 2150, C replaced by T.
Protein change: p.Pro717Leu; replaces proline 717 with leucine.
Molecular consequence: missense variant. On other transcripts: non-coding transcript variant (1).
Genome position (GRCh38, 1-based): chr10:63,214,017, G>A on the plus strand (C>T on the coding strand, the complement: JMJD1C is on the minus strand). VCF-style: chr10-63214017-G-A. GRCh37 (hg19) VCF-style: chr10-64973777-G-A.
Other names: c.1604C>T, p.Pro535Leu (NM_001282948.2, NM_001318154.2); c.1286C>T, p.Pro429Leu (NM_001318153.2); c.2036C>T, p.Pro679Leu (NM_001322252.2); c.1493C>T, p.Pro498Leu (NM_001322254.2, NM_001322258.2); short protein forms P498L, P429L, P535L, P717L, P679L.
Identifiers: ClinVar variation 2141734 (VCV002141734.4), dbSNP rs1847671786, ClinGen allele CA377046579.

ClinVar aggregate classification (germline): Uncertain significance (1 of 4 stars; one submission).

Conditions:
Early Myoclonic Encephalopathy. Identifiers: MedGen C0270855.

Allele frequency attached by ClinVar (database versions not stated): gnomAD 0.00001.
gnomAD v4.1: 1 of 1,614,036 alleles (0.000062%); highest among the groups gnomAD compares: African/African-American, 0.0013%; no homozygotes.

Submission:

Labcorp Genetics (formerly Invitae), Labcorp
Classification: Uncertain significance for Early Myoclonic Encephalopathy. Last evaluated: 2025-07-27. Review status: criteria provided, single submitter. Criteria: Invitae Variant Classification Sherloc (09022015). Collection method: clinical testing. Allele origin: germline.
Comment: This sequence change replaces proline, which is neutral and non-polar, with leucine, which is neutral and non-polar, at codon 717 of the JMJD1C protein (p.Pro717Leu). This variant is not present in population databases (gnomAD no frequency). This variant has not been reported in the literature in individuals affected with JMJD1C-related conditions. ClinVar contains an entry for this variant (Variation ID: 2141734). Invitae Evidence Modeling of protein sequence and biophysical properties (such as structural, functional, and spatial information, amino acid conservation, physicochemical variation, residue mobility, and thermodynamic stability) indicates that this missense variant is expected to disrupt JMJD1C protein function with a positive predictive value of 80%. In summary, the available evidence is currently insufficient to determine the role of this variant in disease. Therefore, it has been classified as a Variant of Uncertain Significance.